The following is an entry in ClinVar:

ClinVar aggregate classification (germline): Uncertain significance (1 of 4 stars; one submission).

gnomAD v4.1: 2 of 1,614,044 alleles (0.00012%); no homozygotes.

Submission:

Labcorp Genetics (formerly Invitae), Labcorp
Classification: Uncertain significance. Last evaluated: 2022-06-07. Review status: criteria provided, single submitter. Criteria: Invitae Variant Classification Sherloc (09022015). Collection method: clinical testing. Allele origin: germline.
Comment: This variant has not been reported in the literature in individuals affected with COQ6-related conditions. This sequence change replaces arginine, which is basic and polar, with lysine, which is basic and polar, at codon 111 of the COQ6 protein (p.Arg111Lys). This variant is present in population databases (no rsID available, gnomAD no frequency). Algorithms developed to predict the effect of missense changes on protein structure and function (SIFT, PolyPhen-2, Align-GVGD) all suggest that this variant is likely to be disruptive. In summary, the available evidence is currently insufficient to determine the role of this variant in disease. Therefore, it has been classified as a Variant of Uncertain Significance.

NM_182476.3(COQ6):c.332G>A (p.Arg111Lys)

Genes: ENTPD5 (ectonucleoside triphosphate diphosphohydrolase 5; minus strand), COQ6 (coenzyme Q6, monooxygenase; plus strand). Cytogenetic location: 14q24.3.
Variant type: single nucleotide variant.
Coding change: c.332G>A on transcript NM_182476.3 (MANE Select); coding-DNA position 332, G replaced by A.
Protein change: p.Arg111Lys; replaces arginine 111 with lysine.
Molecular consequence: missense variant. On other transcripts: 5 prime UTR variant (1), 3 prime UTR variant (2), intron variant (5).
Genome position (GRCh38, 1-based): chr14:73,955,484, G>A. VCF-style: chr14-73955484-G-A. GRCh37 (hg19) VCF-style: chr14-74422187-G-A.
Other names: c.332G>A, p.Arg111Lys (NM_001425255.1, NM_001425256.1, NM_001425262.1); c.257G>A, p.Arg86Lys (NM_001425258.1, NM_182480.3); c.5G>A, p.Arg2Lys (NM_001425263.1); c.-78G>A (NM_001425265.1); c.*71C>T (NM_001382258.1); c.*336C>T (NM_001382262.1); c.133-321G>A (NM_001425259.1, NM_001425261.1, NM_001425260.1); c.193-321G>A (NM_001425257.1); and 1 more; short protein forms R111K, R86K.
Identifiers: ClinVar variation 1956090 (VCV001956090.5), dbSNP rs1414050878, ClinGen allele CA390374311.
Genomic context (GRCh38, chr14:73,955,484, plus strand): 5'-CTGGTCTATAGATCCTTTCTTTTGTAGGTTTTGGTGCCTGGGACCATATCTGCAACATGA[G>A]ATACAGAGCCTTTCGGCGAATGCAGGTGCCCCTTTATCTTTTCAATTTTGTCAAGATGTC-3'
Protein context (NP_872282.1, residues 101-121): FGAWDHICNM[Arg111Lys]YRAFRRMQVW